The following is an entry in ClinVar:

ClinVar aggregate classification (germline): Uncertain significance (1 of 4 stars; one submission).

Conditions:
Intellectual developmental disorder, autosomal dominant 39. Also called: Mental retardation, autosomal dominant 39; Intellectual disability, autosomal dominant 39. Identifiers: MedGen C4225296, MONDO:0014678, OMIM 616521.

Submission:

Genetics Department, Catlab
Classification: Uncertain significance for Intellectual developmental disorder, autosomal dominant 39. Last evaluated: 2025-06-02. Review status: criteria provided, single submitter. Criteria: ACMG Guidelines, 2015. Collection method: clinical testing. Allele origin: germline. Affected: yes. Observed: 1 variant allele.
Comment: The c.1853A>G variant is absent from gnomAD v4.1 (PM2_moderate) and the missense z-score assigned to the MYT1L gene is 5.53 (PP2_supporting). With all the available evidence, the variant is classified as of uncertain significance.

NM_001303052.2(MYT1L):c.1853A>G (p.Gln618Arg)

Gene: MYT1L (myelin transcription factor 1 like; minus strand). Cytogenetic location: 2p25.3.
Variant type: single nucleotide variant.
Coding change: c.1853A>G on transcript NM_001303052.2 (MANE Select); coding-DNA position 1853, A replaced by G.
Protein change: p.Gln618Arg; replaces glutamine 618 with arginine.
Molecular consequence: missense variant.
Genome position (GRCh38, 1-based): chr2:1,903,259, T>C on the plus strand (A>G on the coding strand, the complement: MYT1L is on the minus strand). VCF-style: chr2-1903259-T-C. GRCh37 (hg19) VCF-style: chr2-1907031-T-C.
Other names: c.1853A>G, p.Gln618Arg (NM_001329844.2, NM_001329845.1, NM_001329851.3); c.1847A>G, p.Gln616Arg (NM_001329846.3, NM_001329847.2, NM_001329848.1 and 3 more transcripts); short protein forms Q616R, Q618R.
Identifiers: ClinVar variation 4537360 (VCV004537360.1).